The following is an entry in ClinVar:

ClinVar aggregate classification (germline): Likely pathogenic (1 of 4 stars; one submission).

Submission:

CeGaT Center for Human Genetics Tuebingen
Classification: Likely pathogenic. Last evaluated: 2023-12-01. Review status: criteria provided, single submitter. Criteria: CeGaT Center For Human Genetics Tuebingen Variant Classification Criteria Version 2. Collection method: clinical testing. Allele origin: germline. Affected: yes. Observed: 2 variant alleles.
Comment: SLC24A5: PM2, PM3, PVS1:Moderate, PP4

NM_205850.3(SLC24A5):c.1455T>A (p.Tyr485Ter)

Genes: MYEF2 (myelin expression factor 2; minus strand), SLC24A5 (solute carrier family 24 member 5; plus strand). Cytogenetic location: 15q21.1.
Variant type: single nucleotide variant.
Coding change: c.1455T>A on transcript NM_205850.3 (MANE Select); coding-DNA position 1455, T replaced by A.
Protein change: p.Tyr485Ter; replaces tyrosine 485 with a stop codon.
Molecular consequence: nonsense. On other transcripts: 3 prime UTR variant (2).
Genome position (GRCh38, 1-based): chr15:48,142,303, T>A. VCF-style: chr15-48142303-T-A. GRCh37 (hg19) VCF-style: chr15-48434500-T-A.
Other names: c.*605A>T (NM_001301210.2, NM_016132.5); short protein forms Y485*.
Identifiers: ClinVar variation 2578734 (VCV002578734.25), dbSNP rs2039119852, ClinGen allele CA392454628.